The following is an entry in ClinVar:

ClinVar aggregate classification (germline): Uncertain significance (1 of 4 stars; one submission).

Allele frequency attached by ClinVar (database versions not stated): gnomAD exomes below 0.00001; ExAC 0.00001.

Submission:

Labcorp Genetics (formerly Invitae), Labcorp
Classification: Uncertain significance. Last evaluated: 2023-10-17. Review status: criteria provided, single submitter. Criteria: Invitae Variant Classification Sherloc (09022015). Collection method: clinical testing. Allele origin: germline.
Comment: This sequence change replaces threonine, which is neutral and polar, with alanine, which is neutral and non-polar, at codon 1396 of the ARHGAP31 protein (p.Thr1396Ala). This variant is present in population databases (rs750766791, gnomAD 0.0009%). This variant has not been reported in the literature in individuals affected with ARHGAP31-related conditions. An algorithm developed to predict the effect of missense changes on protein structure and function (PolyPhen-2) suggests that this variant is likely to be disruptive. In summary, the available evidence is currently insufficient to determine the role of this variant in disease. Therefore, it has been classified as a Variant of Uncertain Significance.

NM_020754.4(ARHGAP31):c.4186A>G (p.Thr1396Ala)

Gene: ARHGAP31 (Rho GTPase activating protein 31; plus strand). Cytogenetic location: 3q13.33.
Variant type: single nucleotide variant.
Coding change: c.4186A>G on transcript NM_020754.4 (MANE Select); coding-DNA position 4186, A replaced by G.
Protein change: p.Thr1396Ala; replaces threonine 1396 with alanine.
Molecular consequence: missense variant.
Genome position (GRCh38, 1-based): chr3:119,416,115, A>G. VCF-style: chr3-119416115-A-G. GRCh37 (hg19) VCF-style: chr3-119134962-A-G.
Other names: short protein forms T1396A.
Identifiers: ClinVar variation 2845147 (VCV002845147.3), dbSNP rs750766791, ClinGen allele CA2554311.